The following is an entry in ClinVar:

ClinVar aggregate classification (germline): Uncertain significance (1 of 4 stars; one submission).

Allele frequency attached by ClinVar (database versions not stated): gnomAD exomes below 0.00001; ExAC 0.00001; TOPMed 0.00004; ESP Exome Variant Server 0.00008.
gnomAD v4.1: 3 of 1,613,820 alleles (0.00019%); highest among the groups gnomAD compares: African/African-American, 0.0027%; no homozygotes.

Submission:

GeneDx
Classification: Uncertain significance. Last evaluated: 2022-05-27. Review status: criteria provided, single submitter. Criteria: GeneDx Variant Classification Process June 2021. Collection method: clinical testing. Allele origin: germline. Affected: yes.
Comment: Not observed at significant frequency in large population cohorts (gnomAD); In silico analysis supports that this missense variant has a deleterious effect on protein structure/function; Has not been previously published as pathogenic or benign to our knowledge

NM_194248.3(OTOF):c.4193C>T (p.Pro1398Leu)

Gene: OTOF (otoferlin; minus strand). Cytogenetic location: 2p23.3.
Variant type: single nucleotide variant.
Coding change: c.4193C>T on transcript NM_194248.3 (MANE Select); coding-DNA position 4193, C replaced by T.
Protein change: p.Pro1398Leu; replaces proline 1398 with leucine.
Molecular consequence: missense variant.
Genome position (GRCh38, 1-based): chr2:26,467,399, G>A on the plus strand (C>T on the coding strand, the complement: OTOF is on the minus strand). VCF-style: chr2-26467399-G-A. GRCh37 (hg19) VCF-style: chr2-26690267-G-A.
Other names: c.4193C>T, p.Pro1398Leu (NM_001287489.2); c.1892C>T, p.Pro631Leu (NM_004802.4, NM_194323.3); c.2123C>T, p.Pro708Leu (NM_194322.3); short protein forms P1398L, P631L, P708L.
Identifiers: ClinVar variation 1800979 (VCV001800979.1), dbSNP rs141157381, ClinGen allele CA1563261.